The following is an entry in ClinVar:

ClinVar aggregate classification (germline): Uncertain significance. Review status: reviewed by expert panel (3 of 4 stars). 8 submissions from 8 submitters: Uncertain significance (1). 7 of the submissions do not count toward it. Last evaluated 2026-03-18.

Conditions:
BRCA2-related cancer predisposition. Identifiers: MedGen CN377758, MONDO:0700269.
Hereditary cancer-predisposing syndrome. Also called: Neoplastic Syndromes, Hereditary; Hereditary neoplastic syndrome; Tumor predisposition; Hereditary Cancer Syndrome. Identifiers: Orphanet 140162, MedGen C0027672, MeSH D009386, MONDO:0015356.
Hereditary breast ovarian cancer syndrome. Also called: Hereditary breast and/or ovarian cancer syndrome; Hereditary breast and ovarian cancer syndrome; BRCA1- and BRCA2-Associated Hereditary Breast and Ovarian Cancer; Hereditary breast and ovarian cancer; Hereditary breast and ovarian cancer syndrome (HBOC); Breast and ovarian cancer. Identifiers: Orphanet 145, MedGen C0677776, MeSH D061325, MONDO:0003582. Disease mechanism: loss of function.
Breast-ovarian cancer, familial, susceptibility to, 2 (BROVCA2). Also called: BRCA2 Hereditary Breast and Ovarian Cancer. Identifiers: Orphanet 145, MedGen C2675520, MONDO:0012933, OMIM 612555. Disease mechanism: loss of function.

Allele frequency attached by ClinVar (database versions not stated): gnomAD exomes below 0.00001.
gnomAD v4.1: 1 of 1,530,828 alleles (0.000065%); highest among the groups gnomAD compares: South Asian, 0.0011%; no homozygotes.

Submissions (8):

ClinGen ENIGMA BRCA1 and BRCA2 Variant Curation Expert Panel, ClinGen
Classification: Uncertain significance for BRCA2-related cancer predisposition. Last evaluated: 2026-03-18. Review status: reviewed by expert panel. Criteria: CSpec BRCA1/2ACMG Rules Specifications V1.2. Collection method: curation. Allele origin: germline. Inheritance: Autosomal dominant inheritance.
Comment: The c.425+1G>A variant is an intronic variant within the native donor 1,2 splice site occurring in intron 4 of the BRCA2 gene. It is predicted to cause out-of-frame skipping of exon 4, resulting in a frameshift leading to nonsense mediated decay. All variants at this splice site score very similar with SpliceAI predicting exon 4 skipping, however several variants at this splice site exhibit complex patterns of splicing with only partial prediction of nonsense mediated decay. BRCA2 c.425+2T>C RNA data (RT-PCRseq) shows skipping of exon 4 at 30-35% PSI, with in-frame skipping of exons 4 and 5 at 5-10% PSI. BRCA2:c.425G>A RNA data (RT-PCRseq) shows exon 4 skipping at 30-40% PSI, in-frame skipping of exons 4 and 5 at 10-20% PSI, and out of frame skipping of exons 3 and 4 at 1-8% PSI. Similarly, BRCA2:c.425G>T RNA data (RT-PCRseq) shows exon 4 skipping at 20-30% PSI, skipping of exons 4-5 at 5-15% PSI, and exon 4-7 skipping at 1-8% PSI. Normally spliced transcripts contained nearly 100% WT allele (Ambry internal data). Published data also indicates these variants (c.425+2T>C, c.425G>A, c.425G>T) retain partial function and have clinical phenotypes consistent with benign variants (PMID: 33469799; 32398771). Based on this, we have not assigned pathogenic evidence at any strength (PVS1_N/A) to exon 4 donor site variants. This variant is present in gnomAD v2.1 (exomes only, non-cancer subset) or gnomAD v3.1 (non-cancer subset) but is below the ENIGMA BRCA1/2 VCEP threshold >0.00002 for BS1_Supporting. Reported by one calibrated study to exhibit protein function similar to benign control variants (Internal lab contributor) (BS3 met). In summary, this variant meets the criteria to be classified as a Variant of uncertain significance for BRCA2-related cancer predisposition based on the ACMG/AMP criteria applied as specified by the ENIGMA BRCA1/2 VCEP (v1.2) (BS3).

Ambry Genetics
Classification: Uncertain significance for Hereditary cancer-predisposing syndrome. Last evaluated: 2026-01-23. Review status: criteria provided, single submitter. Criteria: Ambry Variant Classification Scheme 2023. Collection method: clinical testing. Allele origin: germline. Not counted in ClinVar's aggregate classification.
Comment: The c.425+1G>A intronic variant results from a G to A substitution one nucleotide after coding exon 3 of the BRCA2 gene. This nucleotide position is highly conserved in available vertebrate species. In silico splice site analysis predicts that this alteration will weaken the native splice donor site. RNA studies have demonstrated that this alteration results in abnormal splicing in the set of samples tested (Ambry internal data). RNA studies of a close-match alteration, BRCA2 c.425G>T, have demonstrated that it results in complete abnormal splicing in the set of samples tested (Ambry internal data; Brand&atilde;o R et al. Breast Cancer Res. Treat. 2011 Oct;129(3):971-82; Nix P et al. Fam Cancer, 2021 Jan). BRCA2 c.425G>T, which is expected to have the same splicing profile as this alteration, was able to rescue the growth defect in BRCA2-null mouse embryonic stem cells and these surviving cells maintained partial activity in a homology directed DNA repair functional assay (Mesman R et al. Genet Med 2020 Aug;22(8):1355-1365). BRCA2 c.425G>T was also identified in patients who collectively have a phenotype that is not consistent with a high risk BRCA2 pathogenic variant (Nix P et al. Fam Cancer, 2021 Jan). Since supporting evidence is conflicting at this time, the clinical significance of this alteration remains unclear.

Labcorp Genetics (formerly Invitae), Labcorp
Classification: Pathogenic for Hereditary breast ovarian cancer syndrome. Last evaluated: 2025-05-28. Review status: criteria provided, single submitter. Criteria: Invitae Variant Classification Sherloc (09022015). Collection method: clinical testing. Allele origin: germline. Not counted in ClinVar's aggregate classification.
Comment: This sequence change affects a donor splice site in intron 4 of the BRCA2 gene. RNA analysis indicates that disruption of this splice site induces altered splicing and may result in an absent or altered protein product. The frequency data for this variant in the population databases is considered unreliable, as metrics indicate poor data quality at this position in the gnomAD database. Disruption of this splice site has been observed in individual(s) with an increased risk for breast and/or ovarian cancer (PMID: 29446198). ClinVar contains an entry for this variant (Variation ID: 142617). Studies have shown that disruption of this splice site results in skipping of exon 4, and produces a non-functional protein and/or introduces a premature termination codon (internal data). For these reasons, this variant has been classified as Pathogenic.

Molecular Pathology, Peter Maccallum Cancer Centre
Classification: Uncertain significance for Breast-ovarian cancer, familial, susceptibility to, 2. Last evaluated: 2025-05-26. Review status: criteria provided, single submitter. Criteria: ACMG Guidelines, 2015. Collection method: clinical testing. Allele origin: germline. Inheritance: Autosomal dominant inheritance. Not counted in ClinVar's aggregate classification.

Revvity Omics, Revvity
Classification: Likely pathogenic. Last evaluated: 2024-06-03. Review status: criteria provided, single submitter. Criteria: ACMG Guidelines, 2015. Collection method: clinical testing. Allele origin: germline. Not counted in ClinVar's aggregate classification.

German Consortium for Hereditary Breast and Ovarian Cancer, University Hospital Cologne
Classification: Uncertain significance for Hereditary breast ovarian cancer syndrome. Last evaluated: 2023-11-14. Review status: criteria provided, single submitter. Criteria: ClinGen BRCA2 V1.0.0. Collection method: curation. Allele origin: germline. Not counted in ClinVar's aggregate classification.
Comment: Table 4: PTC_NMD Δ(E4) predicted. In-frame Δ(E4,5) expected (c.425G>T data) and suspected functional PVS1_NA. According to the ClinGen ENIGMA BRCA2 v1.0.0 criteria we chose this criterium: PP3 (supporting pathogenic): Table 4: PTC_NMD Δ(E4) predicted. In-frame Δ(E4,5) expected (c.425G>T data) and suspected functional

Institute of Medical Genetics and Applied Genomics, University Hospital Tübingen
Classification: Likely pathogenic. Last evaluated: 2021-06-17. Review status: criteria provided, single submitter. Criteria: ACMG Guidelines, 2015. Collection method: clinical testing. Allele origin: germline. Inheritance: Autosomal dominant inheritance. Affected: yes. Not counted in ClinVar's aggregate classification.

Consortium of Investigators of Modifiers of BRCA1/2 (CIMBA), c/o University of Cambridge
Classification: Pathogenic for Breast-ovarian cancer, familial, susceptibility to, 2. Last evaluated: 2015-10-02. Review status: criteria provided, single submitter. Criteria: CIMBA Mutation Classification guidelines May 2016. Collection method: clinical testing. Allele origin: germline. Not counted in ClinVar's aggregate classification.

Literature cited by the submitters: PubMed 29446198 (cited by Labcorp Genetics (formerly Invitae), Labcorp).

NM_000059.4(BRCA2):c.425+1G>A

Gene: BRCA2 (BRCA2 DNA repair associated; plus strand). Cytogenetic location: 13q13.1.
Variant type: single nucleotide variant.
Coding change: c.425+1G>A on transcript NM_000059.4 (MANE Select); the canonical splice donor site of the intron after coding-DNA position 425, G replaced by A.
Molecular consequence: splice donor variant.
Genome position (GRCh38, 1-based): chr13:32,325,185, G>A. VCF-style: chr13-32325185-G-A. GRCh37 (hg19) VCF-style: chr13-32899322-G-A.
Other names: c.425+1G>A (NM_001406720.1, NM_001406719.1, NM_001406721.1); c.56+1G>A (NM_001406722.1).
Identifiers: ClinVar variation 142617 (VCV000142617.27), dbSNP rs587782590, ClinGen allele CA019789.
Genomic context (GRCh38, chr13:32,325,185, plus strand): 5'-TAAAATGGATCAAGCAGATGATGTTTCCTGTCCACTTCTAAATTCTTGTCTTAGTGAAAG[G>A]TATGATGAAGCTATTATATTAAAATATTTAAATGAAACATTTTCCTACATATATTTGTTC-3'